The following is an entry in ClinVar:

ClinVar aggregate classification (germline): Uncertain significance (1 of 4 stars; one submission).

Allele frequency attached by ClinVar (database versions not stated): ExAC 0.00008; gnomAD exomes 0.00001.
gnomAD v4.1: 10 of 1,553,798 alleles (0.00064%); highest among the groups gnomAD compares: South Asian, 0.0024%; no homozygotes.

Submission:

Labcorp Genetics (formerly Invitae), Labcorp
Classification: Uncertain significance. Last evaluated: 2022-02-10. Review status: criteria provided, single submitter. Criteria: Invitae Variant Classification Sherloc (09022015). Collection method: clinical testing. Allele origin: germline.
Comment: In summary, the available evidence is currently insufficient to determine the role of this variant in disease. Therefore, it has been classified as a Variant of Uncertain Significance. Algorithms developed to predict the effect of missense changes on protein structure and function (SIFT, PolyPhen-2, Align-GVGD) all suggest that this variant is likely to be tolerated. This variant has not been reported in the literature in individuals affected with SORL1-related conditions. This variant is present in population databases (rs774906532, gnomAD 0.004%). This sequence change replaces serine, which is neutral and polar, with threonine, which is neutral and polar, at codon 6 of the SORL1 protein (p.Ser6Thr).

NM_003105.6(SORL1):c.17G>C (p.Ser6Thr)

Genes: SORL1 (sortilin related receptor 1; plus strand), SORL1-AS1 (SORL1 antisense RNA 1; minus strand). Cytogenetic location: 11q24.1.
Variant type: single nucleotide variant.
Coding change: c.17G>C on transcript NM_003105.6 (MANE Select); coding-DNA position 17, G replaced by C.
Protein change: p.Ser6Thr; replaces serine 6 with threonine.
Molecular consequence: missense variant.
Genome position (GRCh38, 1-based): chr11:121,452,348, G>C. VCF-style: chr11-121452348-G-C. GRCh37 (hg19) VCF-style: chr11-121323057-G-C.
Other names: short protein forms S6T.
Identifiers: ClinVar variation 2081081 (VCV002081081.4), dbSNP rs774906532, ClinGen allele CA6328267.